The following is an entry in ClinVar:

ClinVar aggregate classification (germline): Uncertain significance (1 of 4 stars; one submission).

Submission:

Labcorp Genetics (formerly Invitae), Labcorp
Classification: Uncertain significance. Last evaluated: 2024-04-09. Review status: criteria provided, single submitter. Criteria: Invitae Variant Classification Sherloc (09022015). Collection method: clinical testing. Allele origin: germline.
Comment: This sequence change replaces asparagine, which is neutral and polar, with serine, which is neutral and polar, at codon 1978 of the POLE protein (p.Asn1978Ser). This variant is not present in population databases (gnomAD no frequency). This variant has not been reported in the literature in individuals affected with POLE-related conditions. Advanced modeling of protein sequence and biophysical properties (such as structural, functional, and spatial information, amino acid conservation, physicochemical variation, residue mobility, and thermodynamic stability) performed at Invitae indicates that this missense variant is not expected to disrupt POLE protein function with a negative predictive value of 80%. In summary, the available evidence is currently insufficient to determine the role of this variant in disease. Therefore, it has been classified as a Variant of Uncertain Significance.

NM_006231.4(POLE):c.5933A>G (p.Asn1978Ser)

Gene: POLE (DNA polymerase epsilon, catalytic subunit; minus strand). Cytogenetic location: 12q24.33.
Variant type: single nucleotide variant.
Coding change: c.5933A>G on transcript NM_006231.4 (MANE Select); coding-DNA position 5933, A replaced by G.
Protein change: p.Asn1978Ser; replaces asparagine 1978 with serine.
Molecular consequence: missense variant.
Genome position (GRCh38, 1-based): chr12:132,634,257, T>C on the plus strand (A>G on the coding strand, the complement: POLE is on the minus strand). VCF-style: chr12-132634257-T-C. GRCh37 (hg19) VCF-style: chr12-133210843-T-C.
Other names: short protein forms N1978S.
Identifiers: ClinVar variation 3649267 (VCV003649267.2).
Genomic context (GRCh38, chr12:132,634,257, plus strand): 5'-ATGAGGAAGTAGTTCTGGCAGGAGGCTGCCTGTGGCAAAAACTGCAAAATGTTCCAGTTG[T>C]TTTCCAGTAAATCCTCCACGTTGGATTCCTCCGCCTCTTCCTCCTCCTCCCCATCTCTTT-3'
Protein context (NP_006222.2, residues 1968-1988): EESNVEDLLE[Asn1978Ser]NWNILQFLPQ